The following is an entry in ClinVar:

ClinVar aggregate classification (germline): Uncertain significance (1 of 4 stars; one submission).

Conditions:
Mucolipidosis type IV (ML4). Also called: ML IV. Identifiers: Orphanet 578, MedGen C0238286, MONDO:0009653, OMIM 252650.

Submission:

Labcorp Genetics (formerly Invitae), Labcorp
Classification: Uncertain significance for Mucolipidosis type IV. Last evaluated: 2021-09-18. Review status: criteria provided, single submitter. Criteria: Invitae Variant Classification Sherloc (09022015). Collection method: clinical testing. Allele origin: germline.
Comment: This sequence change replaces proline with leucine at codon 204 of the MCOLN1 protein (p.Pro204Leu). The proline residue is weakly conserved and there is a moderate physicochemical difference between proline and leucine. This variant is not present in population databases (ExAC no frequency). This variant has not been reported in the literature in individuals affected with MCOLN1-related conditions. Algorithms developed to predict the effect of missense changes on protein structure and function (SIFT, PolyPhen-2, Align-GVGD) all suggest that this variant is likely to be tolerated. In summary, the available evidence is currently insufficient to determine the role of this variant in disease. Therefore, it has been classified as a Variant of Uncertain Significance.

NM_020533.3(MCOLN1):c.611C>T (p.Pro204Leu)

Gene: MCOLN1 (mucolipin TRP cation channel 1; plus strand). Cytogenetic location: 19p13.2.
Variant type: single nucleotide variant.
Coding change: c.611C>T on transcript NM_020533.3 (MANE Select); coding-DNA position 611, C replaced by T.
Protein change: p.Pro204Leu; replaces proline 204 with leucine.
Molecular consequence: missense variant.
Genome position (GRCh38, 1-based): chr19:7,527,559, C>T. VCF-style: chr19-7527559-C-T. GRCh37 (hg19) VCF-style: chr19-7592445-C-T.
Other names: short protein forms P204L.
Identifiers: ClinVar variation 965920 (VCV000965920.3), dbSNP rs932130349, ClinGen allele CA403082111.